The following is an entry in ClinVar:

NM_001116.4(ADCY9):c.2828+4C>G

Gene: ADCY9 (adenylate cyclase 9; minus strand). Cytogenetic location: 16p13.3.
Variant type: single nucleotide variant.
Coding change: c.2828+4C>G on transcript NM_001116.4 (MANE Select); 4 bases into the intron after coding-DNA position 2828, C replaced by G.
Molecular consequence: intron variant.
Genome position (GRCh38, 1-based): chr16:3,977,478, G>C on the plus strand (C>G on the coding strand, the complement: ADCY9 is on the minus strand). VCF-style: chr16-3977478-G-C. GRCh37 (hg19) VCF-style: chr16-4027479-G-C.
Identifiers: ClinVar variation 782311 (VCV000782311.28), dbSNP rs149752018, ClinGen allele CA7871169.
Genomic context (GRCh38, chr16:3,977,478, plus strand): 5'-CCTACGCAACCTCGGGCAAGGTGGCCACGCACCCTGGTGCCCGCAAGCAGTGCTGGCCGC[G>C]TACCTGTCTGGGCACAGGGAGACGTAGAGCAGGAGCAGCGGCCCGGCCCCCACGACGGTG-3'

ClinVar aggregate classification (germline): Likely benign. Review status: criteria provided, multiple submitters, no conflicts (2 of 4 stars). 2 submissions from 2 submitters: Likely benign (2). Last evaluated 2022-08-01.

Allele frequency attached by ClinVar (database versions not stated): gnomAD 0.00175; TOPMed 0.00191; 1000 Genomes Project 30x 0.00219; ESP Exome Variant Server 0.00109; 1000 Genomes Project 0.00160.
gnomAD v4.1: 4,273 of 1,557,862 alleles (0.27%); highest among the groups gnomAD compares: Middle Eastern, 0.34%; 6 homozygotes.

Submissions (2):

CeGaT Center for Human Genetics Tuebingen
Classification: Likely benign. Last evaluated: 2022-08-01. Review status: criteria provided, single submitter. Criteria: CeGaT Center For Human Genetics Tuebingen Variant Classification Criteria Version 2. Collection method: clinical testing. Allele origin: germline. Affected: yes. Observed: 1 variant allele.
Comment: ADCY9: BP4

Labcorp Genetics (formerly Invitae), Labcorp
Classification: Likely benign. Last evaluated: 2019-12-31. Review status: criteria provided, single submitter. Criteria: Invitae Variant Classification Sherloc (09022015). Collection method: clinical testing. Allele origin: germline.